The following is an entry in ClinVar:

ClinVar aggregate classification (germline): Uncertain significance. Review status: criteria provided, multiple submitters, no conflicts (2 of 4 stars). 2 submissions from 2 submitters: Uncertain significance (2). Last evaluated 2024-08-01.

Conditions:
Inborn genetic diseases. Identifiers: MedGen C0950123, MeSH D030342.

Allele frequency attached by ClinVar (database versions not stated): ExAC 0.00002; gnomAD 0.00002 and 0.00003; TOPMed 0.00004.
gnomAD v4.1: 61 of 1,614,074 alleles (0.0038%); highest among the groups gnomAD compares: East Asian, 0.011%; 1 homozygote.

Submissions (2):

Ambry Genetics
Classification: Uncertain significance for Inborn genetic diseases. Last evaluated: 2024-08-01. Review status: criteria provided, single submitter. Criteria: Ambry Variant Classification Scheme 2023. Collection method: clinical testing. Allele origin: germline.

Labcorp Genetics (formerly Invitae), Labcorp
Classification: Uncertain significance. Last evaluated: 2022-08-11. Review status: criteria provided, single submitter. Criteria: Invitae Variant Classification Sherloc (09022015). Collection method: clinical testing. Allele origin: germline.
Comment: In summary, the available evidence is currently insufficient to determine the role of this variant in disease. Therefore, it has been classified as a Variant of Uncertain Significance. Algorithms developed to predict the effect of missense changes on protein structure and function (SIFT, PolyPhen-2, Align-GVGD) all suggest that this variant is likely to be tolerated. ClinVar contains an entry for this variant (Variation ID: 1494498). This variant has not been reported in the literature in individuals affected with CNNM4-related conditions. This variant is present in population databases (rs771253370, gnomAD 0.005%). This sequence change replaces alanine, which is neutral and non-polar, with valine, which is neutral and non-polar, at codon 538 of the CNNM4 protein (p.Ala538Val).

NM_020184.4(CNNM4):c.1613C>T (p.Ala538Val)

Gene: CNNM4 (cyclin and CBS domain divalent metal cation transport mediator 4; plus strand). Cytogenetic location: 2q11.2.
Variant type: single nucleotide variant.
Coding change: c.1613C>T on transcript NM_020184.4 (MANE Select); coding-DNA position 1613, C replaced by T.
Protein change: p.Ala538Val; replaces alanine 538 with valine.
Molecular consequence: missense variant.
Genome position (GRCh38, 1-based): chr2:96,797,579, C>T. VCF-style: chr2-96797579-C-T. GRCh37 (hg19) VCF-style: chr2-97463316-C-T.
Other names: c.1613C>T (NM_020184.3); short protein forms A538V.
Identifiers: ClinVar variation 1494498 (VCV001494498.9), dbSNP rs771253370, ClinGen allele CA1783412.